The following is an entry in ClinVar:

ClinVar aggregate classification (germline): Uncertain significance (1 of 4 stars; one submission).

Allele frequency attached by ClinVar (database versions not stated): gnomAD 0.00001; gnomAD exomes 0.00001; TOPMed 0.00001.
gnomAD v4.1: 8 of 1,208,530 alleles (0.00066%); highest among the groups gnomAD compares: African/African-American, 0.0035%; no homozygotes.

Submission:

Labcorp Genetics (formerly Invitae), Labcorp
Classification: Uncertain significance. Last evaluated: 2023-10-08. Review status: criteria provided, single submitter. Criteria: Invitae Variant Classification Sherloc (09022015). Collection method: clinical testing. Allele origin: germline.
Comment: This sequence change replaces leucine, which is neutral and non-polar, with phenylalanine, which is neutral and non-polar, at codon 153 of the MSN protein (p.Leu153Phe). This variant is present in population databases (no rsID available, gnomAD 0.02%). This variant has not been reported in the literature in individuals affected with MSN-related conditions. ClinVar contains an entry for this variant (Variation ID: 1499438). An algorithm developed to predict the effect of missense changes on protein structure and function (PolyPhen-2) suggests that this variant is likely to be disruptive. In summary, the available evidence is currently insufficient to determine the role of this variant in disease. Therefore, it has been classified as a Variant of Uncertain Significance.

NM_002444.3(MSN):c.457C>T (p.Leu153Phe)

Gene: MSN (moesin; plus strand). Cytogenetic location: Xq12.
Variant type: single nucleotide variant.
Coding change: c.457C>T on transcript NM_002444.3 (MANE Select); coding-DNA position 457, C replaced by T.
Protein change: p.Leu153Phe; replaces leucine 153 with phenylalanine.
Molecular consequence: missense variant.
Genome position (GRCh38, 1-based): chrX:65,729,702, C>T. VCF-style: chrX-65729702-C-T. GRCh37 (hg19) VCF-style: chrX-64949564-C-T.
Other names: short protein forms L153F.
Identifiers: ClinVar variation 1499438 (VCV001499438.8), dbSNP rs1191782914, ClinGen allele CA413415802.
Genomic context (GRCh38, chrX:65,729,702, plus strand): 5'-AAGTATGGCGACTTCAATAAGGAAGTGCATAAGTCTGGCTACCTGGCCGGAGACAAGTTG[C>T]TCCCGCAGAGGTGAGGTGGTTCCCTGCCCTCCTTTGCCTTGGCCATAAGGGGCTGCAGCC-3'
Protein context (NP_002435.1, residues 143-163): KSGYLAGDKL[Leu153Phe]PQRVLEQHKL